The following is an entry in ClinVar:

NM_000057.4(BLM):c.2853G>C (p.Met951Ile)

Gene: BLM (BLM RecQ like helicase; plus strand). Cytogenetic location: 15q26.1.
Variant type: single nucleotide variant.
Coding change: c.2853G>C on transcript NM_000057.4 (MANE Select); coding-DNA position 2853, G replaced by C.
Protein change: p.Met951Ile; replaces methionine 951 with isoleucine.
Molecular consequence: missense variant.
Genome position (GRCh38, 1-based): chr15:90,790,678, G>C. VCF-style: chr15-90790678-G-C. GRCh37 (hg19) VCF-style: chr15-91333908-G-C.
Other names: c.2853G>C, p.Met951Ile (NM_001287246.2, NM_001287247.2); c.1728G>C, p.Met576Ile (NM_001287248.2); short protein forms M576I, M951I.
Identifiers: ClinVar variation 2903872 (VCV002903872.5), dbSNP rs1896881384, ClinGen allele CA393846279.
Genomic context (GRCh38, chr15:90,790,678, plus strand): 5'-TGAATCTAATAAGCTTTTGCTTTTATATCAGGTTATCTGTGCTACAATTGCATTTGGAAT[G>C]GGGATTGACAAACCGGACGTGCGATTTGTGATTCATGCATCTCTCCCTAAATCTGTGGAG-3'
Protein context (NP_000048.1, residues 941-961): QVICATIAFG[Met951Ile]GIDKPDVRFV

ClinVar aggregate classification (germline): Uncertain significance. Review status: criteria provided, multiple submitters, no conflicts (2 of 4 stars). 3 submissions from 3 submitters: Uncertain significance (3). Last evaluated 2024-05-29.

Conditions:
Hereditary cancer-predisposing syndrome. Also called: Hereditary Cancer Syndrome; Hereditary neoplastic syndrome; Tumor predisposition; Neoplastic Syndromes, Hereditary. Identifiers: Orphanet 140162, MedGen C0027672, MeSH D009386, MONDO:0015356.
Bloom syndrome (BLM). Also called: Bloom-Torre-Machacek syndrome. Identifiers: Orphanet 125, MedGen C0005859, MONDO:0008876, OMIM 210900.

Submissions (3):

Ambry Genetics
Classification: Uncertain significance for Hereditary cancer-predisposing syndrome. Last evaluated: 2024-05-29. Review status: criteria provided, single submitter. Criteria: Ambry Variant Classification Scheme 2023. Collection method: clinical testing. Allele origin: germline.
Comment: The p.M951I variant (also known as c.2853G>C), located in coding exon 14 of the BLM gene, results from a G to C substitution at nucleotide position 2853. The methionine at codon 951 is replaced by isoleucine, an amino acid with highly similar properties. This amino acid position is conserved. In addition, this alteration is predicted to be deleterious by in silico analysis. Based on the available evidence, the clinical significance of this variant remains unclear.

Labcorp Genetics (formerly Invitae), Labcorp
Classification: Uncertain significance for Bloom syndrome. Last evaluated: 2023-06-27. Review status: criteria provided, single submitter. Criteria: Invitae Variant Classification Sherloc (09022015). Collection method: clinical testing. Allele origin: germline.
Comment: This variant has not been reported in the literature in individuals affected with BLM-related conditions. Advanced modeling of protein sequence and biophysical properties (such as structural, functional, and spatial information, amino acid conservation, physicochemical variation, residue mobility, and thermodynamic stability) performed at Invitae indicates that this missense variant is expected to disrupt BLM protein function. In summary, the available evidence is currently insufficient to determine the role of this variant in disease. Therefore, it has been classified as a Variant of Uncertain Significance. This variant is not present in population databases (gnomAD no frequency). This sequence change replaces methionine, which is neutral and non-polar, with isoleucine, which is neutral and non-polar, at codon 951 of the BLM protein (p.Met951Ile).

GeneDx
Classification: Uncertain significance. Last evaluated: 2023-05-23. Review status: criteria provided, single submitter. Criteria: GeneDx Variant Classification Process June 2021. Collection method: clinical testing. Allele origin: germline. Affected: yes.
Comment: Not observed at significant frequency in large population cohorts (gnomAD); In silico analysis supports that this missense variant has a deleterious effect on protein structure/function; Has not been previously published as pathogenic or benign to our knowledge